The following is an entry in ClinVar:

ClinVar aggregate classification (germline): Uncertain significance (1 of 4 stars; one submission).

Submission:

GeneDx
Classification: Uncertain significance. Last evaluated: 2016-10-24. Review status: criteria provided, single submitter. Criteria: GeneDx Variant Classification (06012015). Collection method: clinical testing. Allele origin: germline. Affected: yes.
Comment: The c.694-1G>A variant in the ANK2 gene has not been reported previously as a pathogenic variant nor as a benign variant, to our knowledge. This splice site variant destroys the canonical splice acceptor site in intron 7. It is predicted to cause abnormal gene splicing resulting in an in-frame protein product with an abnormal message. However, in the absence of RNA/functional studies, the actual effect of c.694-1G>A in this individual is unknown. The c.694-1G>A variant was not observed in approximately 6500 individuals of European and African American ancestry in the NHLBI Exome Sequencing Project, indicating it is not a common benign variant in these populations. We interpret c.694-1G>A as a variant of uncertain significance

NM_001148.6(ANK2):c.694-1G>A

Gene: ANK2 (ankyrin 2; plus strand). Cytogenetic location: 4q26.
Variant type: single nucleotide variant.
Coding change: c.694-1G>A on transcript NM_001148.6 (MANE Select); the canonical splice acceptor site of the intron before coding-DNA position 694, G replaced by A.
Molecular consequence: splice acceptor variant.
Genome position (GRCh38, 1-based): chr4:113,240,484, G>A. VCF-style: chr4-113240484-G-A. GRCh37 (hg19) VCF-style: chr4-114161640-G-A.
Other names: c.631-1G>A (NM_001354272.2, NM_001354244.2, NM_001354256.2 and 14 more transcripts); c.607-1G>A (NM_001354249.2, NM_001354266.2, NM_001354276.2 and 16 more transcripts); c.652-1G>A (NM_001354261.2, NM_001386147.1, NM_001386160.1); c.739-1G>A (NM_001354241.2, NM_001386152.1, NM_001354237.2 and 5 more transcripts); c.694-1G>A (NM_001354225.2, NM_001354235.2, NM_001354246.2 and 9 more transcripts); c.745-1G>A (NM_001386174.1); c.721-1G>A (NM_001386175.1); c.682-1G>A (NM_001386186.2, NM_001386148.2, NM_001354269.3); and 1 more.
Identifiers: ClinVar variation 389982 (VCV000389982.2), dbSNP rs1057523605, ClinGen allele CA16605022.
Genomic context (GRCh38, chr4:113,240,484, plus strand): 5'-CAATGGCTGCAACATAGAAAAGTGAAGCGCTATACTGACTGTCATATCTTTGCTTTCATA[G>A]AGTGGTTTTACCCCTTTGCACATAGCTGCACATTACGGAAATGTCAACGTGGCAACTCTT-3'